The following is an entry in ClinVar:

ClinVar aggregate classification (germline): Uncertain significance. Review status: criteria provided, multiple submitters, no conflicts (2 of 4 stars). 2 submissions from 2 submitters: Uncertain significance (2). Last evaluated 2025-09-02.

Allele frequency attached by ClinVar (database versions not stated): gnomAD exomes 0.00001; gnomAD 0.00003; TOPMed 0.00003.
gnomAD v4.1: 22 of 1,613,644 alleles (0.0014%); highest among the groups gnomAD compares: Admixed American, 0.0033%; no homozygotes.

Submissions (2):

Labcorp Genetics (formerly Invitae), Labcorp
Classification: Uncertain significance. Last evaluated: 2025-09-02. Review status: criteria provided, single submitter. Criteria: Invitae Variant Classification Sherloc (09022015). Collection method: clinical testing. Allele origin: germline.
Comment: This sequence change replaces threonine, which is neutral and polar, with alanine, which is neutral and non-polar, at codon 1549 of the DSCAML1 protein (p.Thr1549Ala). This variant is present in population databases (no rsID available, gnomAD 0.002%). This variant has not been reported in the literature in individuals affected with DSCAML1-related conditions. ClinVar contains an entry for this variant (Variation ID: 2185001). An algorithm developed to predict the effect of missense changes on protein structure and function outputs the following: PolyPhen-2: "Benign". The alanine amino acid residue is found in multiple mammalian species, which suggests that this missense change does not adversely affect protein function. In summary, the available evidence is currently insufficient to determine the role of this variant in disease. Therefore, it has been classified as a Variant of Uncertain Significance.

Ambry Genetics
Classification: Uncertain significance. Last evaluated: 2021-10-12. Review status: criteria provided, single submitter. Criteria: Ambry Variant Classification Scheme 2023. Collection method: clinical testing. Allele origin: germline.

NM_020693.4(DSCAML1):c.4465A>G (p.Thr1489Ala)

Gene: DSCAML1 (DS cell adhesion molecule like 1; minus strand). Cytogenetic location: 11q23.3.
Variant type: single nucleotide variant.
Coding change: c.4465A>G on transcript NM_020693.4 (MANE Select); coding-DNA position 4465, A replaced by G.
Protein change: p.Thr1489Ala; replaces threonine 1489 with alanine.
Molecular consequence: missense variant.
Genome position (GRCh38, 1-based): chr11:117,437,377, T>C on the plus strand (A>G on the coding strand, the complement: DSCAML1 is on the minus strand). VCF-style: chr11-117437377-T-C. GRCh37 (hg19) VCF-style: chr11-117308093-T-C.
Other names: c.4645A>G (NM_020693.2); short protein forms T1489A.
Identifiers: ClinVar variation 2185001 (VCV002185001.5), dbSNP rs1187398616, ClinGen allele CA382759352.
Genomic context (GRCh38, chr11:117,437,377, plus strand): 5'-GGCAGCCCCCATTGTTCCAGCCCTGCAGGTTAAGCCGAGCATGCGTGGAGTTGATGTGGG[T>C]GAAGAGGTGTTGGTCTTTGCTGAAGGAGGGCTCTGGCAGGCCGGAGGGAGAGAGAGAGGT-3'
Protein context (NP_065744.3, residues 1479-1499): PSFSKDQHLF[Thr1489Ala]HINSTHARLN